The following is an entry in ClinVar:

ClinVar aggregate classification (germline): Conflicting classifications of pathogenicity. Review status: criteria provided, conflicting classifications (1 of 4 stars). 4 submissions from 4 submitters: Uncertain significance (3); Likely benign (1). Last evaluated 2026-08-01.

Conditions:
Infantile-onset ascending hereditary spastic paralysis (IAHSP). Also called: Autosomal Recessive Juvenile Amyotrophic Lateral Sclerosis; Infantile-Onset Ascending Hereditary Spastic Paralysis (IAHSP). Identifiers: Orphanet 293168, MedGen C2931441, MONDO:0011797, OMIM 607225. Disease mechanism: loss of function.
Inborn genetic diseases. Identifiers: MedGen C0950123, MeSH D030342.

Allele frequency attached by ClinVar (database versions not stated): gnomAD 0.00004 and 0.00005; gnomAD exomes 0.00004 and 0.00005; TOPMed 0.00004; 1000 Genomes Project 30x 0.00016; 1000 Genomes Project 0.00020; ExAC 0.00007; ESP Exome Variant Server 0.00008.

Submissions (4):

CeGaT Center for Human Genetics Tuebingen
Classification: Likely benign. Last evaluated: 2026-08-01. Review status: criteria provided, single submitter. Criteria: CeGaT Center For Human Genetics Tuebingen Variant Classification Criteria Version 2. Collection method: clinical testing. Allele origin: germline. Affected: yes. Observed: 1 variant allele.
Comment: ALS2: BP4

Ambry Genetics
Classification: Uncertain significance for Inborn genetic diseases. Last evaluated: 2025-08-01. Review status: criteria provided, single submitter. Criteria: Ambry Variant Classification Scheme 2023. Collection method: clinical testing. Allele origin: germline.

Labcorp Genetics (formerly Invitae), Labcorp
Classification: Uncertain significance for Infantile-onset ascending hereditary spastic paralysis. Last evaluated: 2022-09-27. Review status: criteria provided, single submitter. Criteria: Invitae Variant Classification Sherloc (09022015). Collection method: clinical testing. Allele origin: germline.
Comment: This sequence change replaces aspartic acid, which is acidic and polar, with asparagine, which is neutral and polar, at codon 595 of the ALS2 protein (p.Asp595Asn). This variant is present in population databases (rs199603159, gnomAD 0.01%). This variant has not been reported in the literature in individuals affected with ALS2-related conditions. ClinVar contains an entry for this variant (Variation ID: 966322). Advanced modeling of protein sequence and biophysical properties (such as structural, functional, and spatial information, amino acid conservation, physicochemical variation, residue mobility, and thermodynamic stability) performed at Invitae indicates that this missense variant is not expected to disrupt ALS2 protein function. In summary, the available evidence is currently insufficient to determine the role of this variant in disease. Therefore, it has been classified as a Variant of Uncertain Significance.

GeneDx
Classification: Uncertain significance. Last evaluated: 2019-08-09. Review status: criteria provided, single submitter. Criteria: GeneDx Variant Classification Process June 2021. Collection method: clinical testing. Allele origin: germline. Affected: yes.
Comment: Not observed in large population cohorts (Lek et al., 2016); In silico analysis, which includes protein predictors and evolutionary conservation, supports that this variant does not alter protein structure/function; Has not been previously published as pathogenic or benign to our knowledge

NM_020919.4(ALS2):c.1783G>A (p.Asp595Asn)

Gene: ALS2 (alsin Rho guanine nucleotide exchange factor ALS2; minus strand). Cytogenetic location: 2q33.1.
Variant type: single nucleotide variant.
Coding change: c.1783G>A on transcript NM_020919.4 (MANE Select); coding-DNA position 1783, G replaced by A.
Protein change: p.Asp595Asn; replaces aspartic acid 595 with asparagine.
Molecular consequence: missense variant.
Genome position (GRCh38, 1-based): chr2:201,749,744, C>T on the plus strand (G>A on the coding strand, the complement: ALS2 is on the minus strand). VCF-style: chr2-201749744-C-T. GRCh37 (hg19) VCF-style: chr2-202614467-C-T.
Other names: short protein forms D595N.
Identifiers: ClinVar variation 966322 (VCV000966322.12), dbSNP rs199603159, ClinGen allele CA2058361.
Genomic context (GRCh38, chr2:201,749,744, plus strand): 5'-TAAGTTGCTATCAAGTTCACAAAAGTACCTTTGCAAGACGAGGAACTGTTGTTGGAAAAT[C>T]GGAATGCCCAAGTTGACCAAAGGTATTGCTACCCCATGAGTAAACCTATCAAAAAAACAC-3'
Protein context (NP_065970.2, residues 585-605): SNTFGQLGHS[Asp595Asn]FPTTVPRLAK